The following is an entry in ClinVar:

NM_001955.5(EDN1):c.260_261delinsTT (p.Ser87Ile)

Gene: EDN1 (endothelin 1; plus strand). Cytogenetic location: 6p24.1.
Variant type: Indel.
Coding change: c.260_261delinsTT on transcript NM_001955.5 (MANE Select); coding-DNA positions 260 to 261, GC replaced by TT.
Protein change: p.Ser87Ile; replaces serine 87 with isoleucine.
Molecular consequence: missense variant.
Genome position (GRCh38, 1-based): chr6:12,293,967-12,293,968, GC replaced by TT. VCF-style: chr6-12293967-GC-TT. GRCh37 (hg19) VCF-style: chr6-12294200-GC-TT.
Other names: c.257_258delinsTT, p.Ser86Ile (NM_001168319.2); c.260_261delinsTT, p.Ser87Ile (NM_001416563.1, NM_001416564.1, NM_001416565.1); short protein forms S86I, S87I.
Identifiers: ClinVar variation 4717556 (VCV004717556.1).
Genomic context (GRCh38, chr6:12,293,967, plus strand): 5'-ACTAATATAGTTTCTTTCTCTCTTTGGATAATAGGCACGTTGTTCCGTATGGACTTGGAA[GC>TT]CCTAGGTCCAAGAGAGCCTTGGAGAATTTACTTCCCACAAAGGCAACAGACCGTGAAAAT-3'
Protein context (NP_001946.3, residues 77-97): PEHVVPYGLG[Ser87Ile]PRSKRALENL

ClinVar aggregate classification (germline): Uncertain significance (1 of 4 stars; one submission).

Submission:

Labcorp Genetics (formerly Invitae), Labcorp
Classification: Uncertain significance. Last evaluated: 2025-04-15. Review status: criteria provided, single submitter. Criteria: Invitae Variant Classification Sherloc (09022015). Collection method: clinical testing. Allele origin: germline.
Comment: This sequence change replaces serine, which is neutral and polar, with isoleucine, which is neutral and non-polar, at codon 87 of the EDN1 protein (p.Ser87Ile). Information on the frequency of this variant in the gnomAD database is not available, as this variant may be reported differently in the database. This variant has not been reported in the literature in individuals affected with EDN1-related conditions. An algorithm developed to predict the effect of missense changes on protein structure and function (PolyPhen-2) suggests that this variant is likely to be disruptive. In summary, the available evidence is currently insufficient to determine the role of this variant in disease. Therefore, it has been classified as a Variant of Uncertain Significance.